The following is an entry in ClinVar:

ClinVar aggregate classification (germline): Conflicting classifications of pathogenicity. Review status: criteria provided, conflicting classifications (1 of 4 stars). 2 submissions from 2 submitters: Likely pathogenic (1); Uncertain significance (1). Last evaluated 2024-01-16.

Allele frequency attached by ClinVar (database versions not stated): gnomAD exomes 0.00001.
gnomAD v4.1: 7 of 1,613,734 alleles (0.00043%); highest among the groups gnomAD compares: Non-Finnish European, 0.00059%; no homozygotes.

Submissions (2):

Blueprint Genetics
Classification: Uncertain significance. Last evaluated: 2024-01-16. Review status: criteria provided, single submitter. Criteria: ACMG Guidelines, 2015. Collection method: clinical testing. Allele origin: germline.

GeneDx
Classification: Likely pathogenic. Last evaluated: 2023-03-03. Review status: criteria provided, single submitter. Criteria: GeneDx Variant Classification Process June 2021. Collection method: clinical testing. Allele origin: germline. Affected: yes.
Comment: Not observed in large population cohorts (gnomAD); In silico analysis supports that this missense variant has a deleterious effect on protein structure/function; Missense variants in this gene are often considered pathogenic (HGMD); Has not been previously published as pathogenic or benign to our knowledge; This variant is associated with the following publications: (PMID: 20648242, 29493581, 17143282, 21387466, 12628188)

NM_005633.4(SOS1):c.1355G>C (p.Arg452Pro)

Gene: SOS1 (SOS Ras/Rac guanine nucleotide exchange factor 1; minus strand). Cytogenetic location: 2p22.1.
Variant type: single nucleotide variant.
Coding change: c.1355G>C on transcript NM_005633.4 (MANE Select); coding-DNA position 1355, G replaced by C.
Protein change: p.Arg452Pro; replaces arginine 452 with proline.
Molecular consequence: missense variant.
Genome position (GRCh38, 1-based): chr2:39,023,073, C>G on the plus strand (G>C on the coding strand, the complement: SOS1 is on the minus strand). VCF-style: chr2-39023073-C-G. GRCh37 (hg19) VCF-style: chr2-39250214-C-G.
Other names: c.1334G>C, p.Arg445Pro (NM_001382394.1); c.1355G>C, p.Arg452Pro (NM_001382395.1); short protein forms R445P, R452P.
Identifiers: ClinVar variation 2442609 (VCV002442609.2), dbSNP rs2529037535, ClinGen allele CA346366360.